The following is an entry in ClinVar:

ClinVar aggregate classification (germline): Likely benign (1 of 4 stars; one submission).

Allele frequency attached by ClinVar (database versions not stated): 1000 Genomes Project 0.00020; 1000 Genomes Project 30x 0.00031; ESP Exome Variant Server 0.00054; gnomAD 0.00057; TOPMed 0.00057; ExAC 0.00059; gnomAD exomes 0.00105.
gnomAD v4.1: 1,581 of 1,595,930 alleles (0.099%); highest among the groups gnomAD compares: Middle Eastern, 0.17%; 7 homozygotes.

Submission:

CeGaT Center for Human Genetics Tuebingen
Classification: Likely benign. Last evaluated: 2022-10-01. Review status: criteria provided, single submitter. Criteria: CeGaT Center For Human Genetics Tuebingen Variant Classification Criteria Version 2. Collection method: clinical testing. Allele origin: germline. Affected: yes. Observed: 2 variant alleles.
Comment: G3BP2: BP4, BP7

NM_203505.3(G3BP2):c.834C>T (p.Val278=)

Gene: G3BP2 (G3BP stress granule assembly factor 2; minus strand). Cytogenetic location: 4q21.1.
Variant type: single nucleotide variant.
Coding change: c.834C>T on transcript NM_203505.3 (MANE Select); coding-DNA position 834, C replaced by T.
Protein change: p.Val278=; no amino-acid change (valine 278 retained).
Molecular consequence: synonymous variant. On other transcripts: non-coding transcript variant (3).
Genome position (GRCh38, 1-based): chr4:75,648,733, G>A on the plus strand (C>T on the coding strand, the complement: G3BP2 is on the minus strand). VCF-style: chr4-75648733-G-A. GRCh37 (hg19) VCF-style: chr4-76573917-G-A.
Other names: c.834C>T, p.Val278= (NM_001400004.1, NM_001400005.1, NM_001400006.1 and 6 more transcripts); c.735C>T, p.Val245= (NM_001400013.1, NM_001400014.1, NM_001400015.1 and 6 more transcripts); c.552C>T, p.Val184= (NM_001400021.1); c.453C>T, p.Val151= (NM_001400022.1).
Identifiers: ClinVar variation 2654824 (VCV002654824.24), dbSNP rs139334533, ClinGen allele CA2965642.